The following is an entry in ClinVar:

ClinVar aggregate classification (germline): Uncertain significance (1 of 4 stars; one submission).

Allele frequency attached by ClinVar (database versions not stated): gnomAD exomes 0.00001.

Submission:

GeneDx
Classification: Uncertain significance. Last evaluated: 2023-08-27. Review status: criteria provided, single submitter. Criteria: GeneDx Variant Classification Process June 2021. Collection method: clinical testing. Allele origin: germline. Affected: yes.
Comment: Not observed at significant frequency in large population cohorts (gnomAD); In silico analysis supports that this missense variant does not alter protein structure/function; Has not been previously published as pathogenic or benign to our knowledge

NM_005909.5(MAP1B):c.1069G>A (p.Val357Ile)

Gene: MAP1B (microtubule associated protein 1B; plus strand). Cytogenetic location: 5q13.2.
Variant type: single nucleotide variant.
Coding change: c.1069G>A on transcript NM_005909.5 (MANE Select); coding-DNA position 1069, G replaced by A.
Protein change: p.Val357Ile; replaces valine 357 with isoleucine.
Molecular consequence: missense variant.
Genome position (GRCh38, 1-based): chr5:72,194,424, G>A. VCF-style: chr5-72194424-G-A. GRCh37 (hg19) VCF-style: chr5-71490251-G-A.
Other names: c.691G>A, p.Val231Ile (NM_001324255.2); short protein forms V231I, V357I.
Identifiers: ClinVar variation 2504362 (VCV002504362.3), dbSNP rs2478567195, ClinGen allele CA359996257.